The following is an entry in ClinVar:

ClinVar aggregate classification (germline): Uncertain significance (1 of 4 stars; one submission).

Conditions:
Hereditary cancer-predisposing syndrome. Also called: Neoplastic Syndromes, Hereditary; Tumor predisposition; Hereditary neoplastic syndrome; Hereditary Cancer Syndrome. Identifiers: Orphanet 140162, MedGen C0027672, MeSH D009386, MONDO:0015356.

Submission:

Ambry Genetics
Classification: Uncertain significance for Hereditary cancer-predisposing syndrome. Last evaluated: 2025-05-07. Review status: criteria provided, single submitter. Criteria: Ambry Variant Classification Scheme 2023. Collection method: clinical testing. Allele origin: germline.
Comment: The p.G445D variant (also known as c.1334G>A), located in coding exon 8 of the MEN1 gene, results from a G to A substitution at nucleotide position 1334. The glycine at codon 445 is replaced by aspartic acid, an amino acid with similar properties. This amino acid position is conserved. In addition, the in silico prediction for this alteration is inconclusive. Based on the available evidence, the clinical significance of this variant remains unclear.

NM_001370259.2(MEN1):c.1334G>A (p.Gly445Asp)

Gene: MEN1 (menin 1; minus strand). Cytogenetic location: 11q13.1.
Variant type: single nucleotide variant.
Coding change: c.1334G>A on transcript NM_001370259.2 (MANE Select); coding-DNA position 1334, G replaced by A.
Protein change: p.Gly445Asp; replaces glycine 445 with aspartic acid.
Molecular consequence: missense variant. On other transcripts: non-coding transcript variant (4), intron variant (1).
Genome position (GRCh38, 1-based): chr11:64,805,050, C>T on the plus strand (G>A on the coding strand, the complement: MEN1 is on the minus strand). VCF-style: chr11-64805050-C-T. GRCh37 (hg19) VCF-style: chr11-64572522-C-T.
Other names: c.1475G>A, p.Gly492Asp (NM_001407150.1); c.1355G>A, p.Gly452Asp (NM_001407151.1); c.1334G>A, p.Gly445Asp (NM_130799.3, NM_001370260.2, NM_001370261.2 and 2 more transcripts); c.1349G>A, p.Gly450Asp (NM_130800.3, NM_130801.3, NM_130802.3 and 4 more transcripts); c.1460G>A, p.Gly487Asp (NM_001370251.2, NM_001407142.1, NM_001407143.1 and 1 more transcripts); c.1229G>A, p.Gly410Asp (NM_001370262.2, NM_001370263.2, NM_001407148.1 and 1 more transcripts); c.1186-234G>A (NM_001407152.1); short protein forms G410D, G452D, G445D, G487D, G450D, G492D.
Identifiers: ClinVar variation 4053806 (VCV004053806.1).